The following is an entry in ClinVar:

ClinVar aggregate classification (germline): Likely benign. Review status: criteria provided, multiple submitters, no conflicts (2 of 4 stars). 3 submissions from 3 submitters: Likely benign (2). 1 of the submissions does not count toward it. Last evaluated 2025-03-21.

Conditions:
PKD1-related disorder. Also called: PKD1-related condition.
Inborn genetic diseases. Identifiers: MedGen C0950123, MeSH D030342.

gnomAD v4.1: 182 of 1,605,732 alleles (0.011%); highest among the groups gnomAD compares: African/African-American, 0.19%; no homozygotes.

Submissions (3):

Women's Health and Genetics/Laboratory Corporation of America, LabCorp
Classification: Likely benign. Last evaluated: 2025-03-21. Review status: criteria provided, single submitter. Criteria: LabCorp Variant Classification Summary - May 2015. Collection method: clinical testing. Allele origin: germline.
Comment: Variant summary: PKD1 c.5542C>T (p.Arg1848Cys) results in a non-conservative amino acid change in the encoded protein sequence. Three of five in-silico tools predict a benign effect of the variant on protein function. The variant allele was found at a frequency of 0.00026 in 251656 control chromosomes, predominantly at a frequency of 0.0025 within the African or African-American subpopulation in the gnomAD database. The observed variant frequency within African or African-American control individuals in the gnomAD database exceeds the estimated maximal expected allele frequency for a pathogenic variant in PKD1 causing PKD1-Biallelic Autosomal Recessive Polycystic Kidney Disease phenotype. To our knowledge, no occurrence of c.5542C>T in individuals affected with PKD1-Biallelic Autosomal Recessive Polycystic Kidney Disease and no experimental evidence demonstrating its impact on protein function have been reported. ClinVar contains an entry for this variant (Variation ID: 3306796). Based on the evidence outlined above, the variant was classified as likely benign.

Ambry Genetics
Classification: Likely benign for Inborn genetic diseases. Last evaluated: 2024-03-19. Review status: criteria provided, single submitter. Criteria: Ambry Variant Classification Scheme 2023. Collection method: clinical testing. Allele origin: germline.

PreventionGenetics, part of Exact Sciences
Classification: Likely benign for PKD1-related condition. Last evaluated: 2024-05-29. Review status: no assertion criteria provided. Collection method: clinical testing. Allele origin: germline. Not counted in ClinVar's aggregate classification.
Comment: This variant is classified as likely benign based on ACMG/AMP sequence variant interpretation guidelines (Richards et al. 2015 PMID: 25741868, with internal and published modifications).

NM_001009944.3(PKD1):c.5542C>T (p.Arg1848Cys)

Gene: PKD1 (polycystin 1, transient receptor potential channel interacting; minus strand). Cytogenetic location: 16p13.3.
Variant type: single nucleotide variant.
Coding change: c.5542C>T on transcript NM_001009944.3 (MANE Select); coding-DNA position 5542, C replaced by T.
Protein change: p.Arg1848Cys; replaces arginine 1848 with cysteine.
Molecular consequence: missense variant.
Genome position (GRCh38, 1-based): chr16:2,109,625, G>A on the plus strand (C>T on the coding strand, the complement: PKD1 is on the minus strand). VCF-style: chr16-2109625-G-A. GRCh37 (hg19) VCF-style: chr16-2159626-G-A.
Other names: c.5542C>T, p.Arg1848Cys (NM_000296.4); short protein forms R1848C.
Identifiers: ClinVar variation 3306796 (VCV003306796.3).
Genomic context (GRCh38, chr16:2,109,625, plus strand): 5'-CATTGAGCCGGATGGAGAAGGTGCCAGCATCCGGGAAGACCATGGTGACATGAGGGCCAC[G>A]CTTGCTGCTGCCGCCGGGCACAGCCCAGCACCAGCTCACATTGGTGCCCGTGGCCAGCTG-3'
Protein context (NP_001009944.3, residues 1838-1858): CWAVPGGSSK[Arg1848Cys]GPHVTMVFPD